The following is an entry in ClinVar:

NM_001018113.3(FANCB):c.2229C>A (p.Phe743Leu)

Gene: FANCB (FA complementation group B; minus strand). Cytogenetic location: Xp22.2.
Variant type: single nucleotide variant.
Coding change: c.2229C>A on transcript NM_001018113.3 (MANE Select); coding-DNA position 2229, C replaced by A.
Protein change: p.Phe743Leu; replaces phenylalanine 743 with leucine.
Molecular consequence: missense variant.
Genome position (GRCh38, 1-based): chrX:14,843,918, G>T on the plus strand (C>A on the coding strand, the complement: FANCB is on the minus strand). VCF-style: chrX-14843918-G-T. GRCh37 (hg19) VCF-style: chrX-14862040-G-T.
Other names: c.2229C>A, p.Phe743Leu (NM_001324162.2, NM_001410764.1, NM_152633.4); short protein forms F743L.
Identifiers: ClinVar variation 4807470 (VCV004807470.1).
Genomic context (GRCh38, chrX:14,843,918, plus strand): 5'-CAAAGTAAATGCCATATTATCAATTAGGAAATTCTCACTTCCTGATTTTAGATTTTTGAG[G>T]AAACAGTTTATAGGGAGAATTCTGATGAGATTATGAAGGCACTGGAACATAACTGTTTGA-3'
Protein context (NP_001018123.1, residues 733-753): NLIRILPINC[Phe743Leu]LKNLKSGSEN

ClinVar aggregate classification (germline): Uncertain significance (1 of 4 stars; one submission).

Conditions:
Fanconi anemia (FA). Also called: Fanconi's anemia. Identifiers: Orphanet 84, MedGen C0015625, MeSH D005199, MONDO:0019391.

gnomAD v4.1: 1 of 1,201,711 alleles (0.000083%); highest among the groups gnomAD compares: Non-Finnish European, 0.00011%; no homozygotes.

Submission:

Labcorp Genetics (formerly Invitae), Labcorp
Classification: Uncertain significance for Fanconi anemia. Last evaluated: 2025-05-12. Review status: criteria provided, single submitter. Criteria: Invitae Variant Classification Sherloc (09022015). Collection method: clinical testing. Allele origin: germline.
Comment: This sequence change replaces phenylalanine, which is neutral and non-polar, with leucine, which is neutral and non-polar, at codon 743 of the FANCB protein (p.Phe743Leu). This variant is not present in population databases (gnomAD no frequency). This variant has not been reported in the literature in individuals affected with FANCB-related conditions. Invitae Evidence Modeling of protein sequence and biophysical properties (such as structural, functional, and spatial information, amino acid conservation, physicochemical variation, residue mobility, and thermodynamic stability) indicates that this missense variant is not expected to disrupt FANCB protein function with a negative predictive value of 80%. In summary, the available evidence is currently insufficient to determine the role of this variant in disease. Therefore, it has been classified as a Variant of Uncertain Significance.